The following is an entry in ClinVar:

ClinVar aggregate classification (germline): Likely pathogenic (1 of 4 stars; one submission).

Conditions:
Vici syndrome (VICIS). Identifiers: Orphanet 1493, MedGen C1855772, MONDO:0009452, OMIM 242840.

Submission:

Dasa
Classification: Likely pathogenic for Vici syndrome. Last evaluated: 2026-01-02. Review status: criteria provided, single submitter. Criteria: DASA Assertion Criteria. Collection method: clinical testing. Allele origin: germline.
Comment: NM_020964.3(EPG5):c.2554-1G>T affects a canonical splice site and is predicted to disrupt normal RNA splicing. Loss of function is an established disease mechanism for EPG5-associated disorders. Also, this variant is rare in population databases. Based on the currently available evidence, this variant is classified as likely pathogenic.

NM_020964.3(EPG5):c.2554-1G>T

Gene: EPG5 (ectopic P-granules 5 autophagy tethering factor; minus strand). Cytogenetic location: 18q21.1.
Variant type: single nucleotide variant.
Coding change: c.2554-1G>T on transcript NM_020964.3 (MANE Select); the canonical splice acceptor site of the intron before coding-DNA position 2554, G replaced by T.
Molecular consequence: splice acceptor variant.
Genome position (GRCh38, 1-based): chr18:45,925,903, C>A on the plus strand (G>T on the coding strand, the complement: EPG5 is on the minus strand). VCF-style: chr18-45925903-C-A. GRCh37 (hg19) VCF-style: chr18-43505869-C-A.
Other names: c.2554-1G>T (NM_001410858.1, NM_001410859.1).
Identifiers: ClinVar variation 4884195 (VCV004884195.2).